The following is an entry in ClinVar:

ClinVar aggregate classification (germline): Uncertain significance (1 of 4 stars; one submission).

Conditions:
Inborn genetic diseases. Identifiers: MedGen C0950123, MeSH D030342.

Submission:

Ambry Genetics
Classification: Uncertain significance for Inborn genetic diseases. Last evaluated: 2025-07-07. Review status: criteria provided, single submitter. Criteria: Ambry Variant Classification Scheme 2023. Collection method: clinical testing. Allele origin: germline.
Comment: The p.S186R variant (also known as c.558T>G), located in coding exon 3 of the ERCC6L2 gene, results from a T to G substitution at nucleotide position 558. The serine at codon 186 is replaced by arginine, an amino acid with dissimilar properties. This amino acid position is conserved. In addition, this alteration is predicted to be tolerated by in silico analysis. Based on the available evidence, the clinical significance of this variant remains unclear.

NM_020207.7(ERCC6L2):c.558T>G (p.Ser186Arg)

Gene: ERCC6L2 (ERCC excision repair 6 like 2; plus strand). Cytogenetic location: 9q22.32.
Variant type: single nucleotide variant.
Coding change: c.558T>G on transcript NM_020207.7 (MANE Select); coding-DNA position 558, T replaced by G.
Protein change: p.Ser186Arg; replaces serine 186 with arginine.
Molecular consequence: missense variant. On other transcripts: non-coding transcript variant (1).
Genome position (GRCh38, 1-based): chr9:95,897,935, T>G. VCF-style: chr9-95897935-T-G. GRCh37 (hg19) VCF-style: chr9-98660217-T-G.
Other names: c.558T>G, p.Ser186Arg (NM_001010895.4, NM_001375291.1, NM_001375292.1 and 2 more transcripts); short protein forms S186R.
Identifiers: ClinVar variation 4250571 (VCV004250571.1).